The following is an entry in ClinVar:

ClinVar aggregate classification (germline): Uncertain significance (1 of 4 stars; one submission).

gnomAD v4.1: 1 of 1,591,502 alleles (0.000063%); highest among the groups gnomAD compares: East Asian, 0.0022%; no homozygotes.

Submission:

Labcorp Genetics (formerly Invitae), Labcorp
Classification: Uncertain significance. Last evaluated: 2024-06-12. Review status: criteria provided, single submitter. Criteria: Invitae Variant Classification Sherloc (09022015). Collection method: clinical testing. Allele origin: germline.
Comment: This sequence change falls in intron 7 of the ANKZF1 gene. It does not directly change the encoded amino acid sequence of the ANKZF1 protein. This variant is present in population databases (no rsID available, gnomAD 0.006%). This variant has not been reported in the literature in individuals affected with ANKZF1-related conditions. Algorithms developed to predict the effect of sequence changes on RNA splicing suggest that this variant may disrupt the consensus splice site. In summary, the available evidence is currently insufficient to determine the role of this variant in disease. Therefore, it has been classified as a Variant of Uncertain Significance.

NM_018089.3(ANKZF1):c.820-20T>G

Gene: ANKZF1 (ankyrin repeat and zinc finger peptidyl tRNA hydrolase 1; plus strand). Cytogenetic location: 2q35.
Variant type: single nucleotide variant.
Coding change: c.820-20T>G on transcript NM_018089.3 (MANE Select); 20 bases into the intron before coding-DNA position 820, T replaced by G.
Molecular consequence: intron variant.
Genome position (GRCh38, 1-based): chr2:219,233,695, T>G. VCF-style: chr2-219233695-T-G. GRCh37 (hg19) VCF-style: chr2-220098417-T-G.
Other names: c.820-20T>G (NM_001042410.2); c.190-20T>G (NM_001282792.2).
Identifiers: ClinVar variation 3684668 (VCV003684668.2).